The following is an entry in ClinVar:

NM_001148.6(ANK2):c.11798G>A (p.Gly3933Glu)

Gene: ANK2 (ankyrin 2; plus strand). Cytogenetic location: 4q26.
Variant type: single nucleotide variant.
Coding change: c.11798G>A on transcript NM_001148.6 (MANE Select); coding-DNA position 11798, G replaced by A.
Protein change: p.Gly3933Glu; replaces glycine 3933 with glutamic acid.
Molecular consequence: missense variant. On other transcripts: intron variant (9).
Genome position (GRCh38, 1-based): chr4:113,373,388, G>A. VCF-style: chr4-113373388-G-A. GRCh37 (hg19) VCF-style: chr4-114294544-G-A.
Other names: c.5516G>A, p.Gly1839Glu (NM_001127493.3); c.5555G>A, p.Gly1852Glu (NM_001354225.2); c.5537G>A, p.Gly1846Glu (NM_001354228.2); c.5522G>A, p.Gly1841Glu (NM_001354230.2); c.5678G>A, p.Gly1893Glu (NM_001354231.2); c.5672G>A, p.Gly1891Glu (NM_001354232.2); c.5633G>A, p.Gly1878Glu (NM_001354235.2); c.5441G>A, p.Gly1814Glu (NM_001354236.2); and 50 more; short protein forms G1024E, G1031E, G1036E, G1687E, G1720E, G1748E, G1753E, G1761E.
Identifiers: ClinVar variation 1317040 (VCV001317040.2), dbSNP rs751501210, ClinGen allele CA3052377.

ClinVar aggregate classification (germline): Uncertain significance (1 of 4 stars; one submission).

Allele frequency attached by ClinVar (database versions not stated): ExAC 0.00001; gnomAD exomes 0.00001 and below 0.00001.
gnomAD v4.1: 4 of 1,614,174 alleles (0.00025%); highest among the groups gnomAD compares: African/African-American, 0.0027%; no homozygotes.

Submission:

GeneDx
Classification: Uncertain significance. Last evaluated: 2019-05-17. Review status: criteria provided, single submitter. Criteria: GeneDx Variant Classification Process June 2021. Collection method: clinical testing. Allele origin: germline. Affected: yes.
Comment: Has not been previously published as pathogenic or benign to our knowledge; Not observed in large population cohorts (Lek et al., 2016); In silico analysis, which includes protein predictors and evolutionary conservation, supports a deleterious effect